The following is an entry in ClinVar:

ClinVar aggregate classification (germline): Likely benign. Review status: criteria provided, multiple submitters, no conflicts (2 of 4 stars). 2 submissions from 2 submitters: Likely benign (2). Last evaluated 2025-09-19.

Conditions:
Autosomal recessive polycystic kidney disease (ARPKD). Also called: AR polycystic kidney disease. Identifiers: Orphanet 731, Orphanet 8378, MedGen C0085548, MeSH D017044, MONDO:0009889.
PKHD1-related disorder. Also called: PKHD1-related condition.

Allele frequency attached by ClinVar (database versions not stated): gnomAD exomes below 0.00001.
gnomAD v4.1: 1 of 1,604,772 alleles (0.000062%); highest among the groups gnomAD compares: Non-Finnish European, 0.000085%; no homozygotes.

Submissions (2):

PreventionGenetics, part of Exact Sciences
Classification: Likely benign for PKHD1-related condition. Last evaluated: 2025-09-19. Review status: criteria provided, single submitter. Criteria: ACMG Guidelines, 2015. Collection method: clinical testing. Allele origin: germline.
Comment: This variant is classified as likely benign based on ACMG/AMP sequence variant interpretation guidelines (Richards et al. 2015 PMID: 25741868, with internal and published modifications).

Labcorp Genetics (formerly Invitae), Labcorp
Classification: Likely benign for Autosomal recessive polycystic kidney disease. Last evaluated: 2023-09-08. Review status: criteria provided, single submitter. Criteria: Invitae Variant Classification Sherloc (09022015). Collection method: clinical testing. Allele origin: germline.

NM_138694.4(PKHD1):c.7912-8A>G

Gene: PKHD1 (PKHD1 ciliary IPT domain containing fibrocystin/polyductin; minus strand). Cytogenetic location: 6p12.2.
Variant type: single nucleotide variant.
Coding change: c.7912-8A>G on transcript NM_138694.4 (MANE Select); 8 bases into the intron before coding-DNA position 7912, A replaced by G.
Molecular consequence: intron variant.
Genome position (GRCh38, 1-based): chr6:51,847,978, T>C on the plus strand (A>G on the coding strand, the complement: PKHD1 is on the minus strand). VCF-style: chr6-51847978-T-C. GRCh37 (hg19) VCF-style: chr6-51712776-T-C.
Other names: c.7912-8A>G (NM_170724.3, NM_138694.3).
Identifiers: ClinVar variation 1639699 (VCV001639699.9), dbSNP rs1771514597, ClinGen allele CA1628559776.